The following is an entry in ClinVar:

NM_013339.4(ALG6):c.601C>T (p.Gln201Ter)

Gene: ALG6 (ALG6 alpha-1,3-glucosyltransferase; plus strand). Cytogenetic location: 1p31.3.
Variant type: single nucleotide variant.
Coding change: c.601C>T on transcript NM_013339.4 (MANE Select); coding-DNA position 601, C replaced by T.
Protein change: p.Gln201Ter; replaces glutamine 201 with a stop codon.
Molecular consequence: nonsense.
Genome position (GRCh38, 1-based): chr1:63,411,252, C>T. VCF-style: chr1-63411252-C-T. GRCh37 (hg19) VCF-style: chr1-63876923-C-T.
Other names: short protein forms Q201*.
Identifiers: ClinVar variation 5015309 (VCV005015309.1).

ClinVar aggregate classification (germline): Pathogenic (1 of 4 stars; one submission).

Conditions:
ALG6-congenital disorder of glycosylation 1C (CDG1C). Also called: CDG Ic; CARBOHYDRATE-DEFICIENT GLYCOPROTEIN SYNDROME, TYPE I, WITH DEFICIENT GLYCOSYLATION OF DOLICHOL-LINKED OLIGOSACCHARIDE; CARBOHYDRATE-DEFICIENT GLYCOPROTEIN SYNDROME, TYPE V; Congenital disorder of glycosylation type 1C; Congenital disorder of glycosylation, type Ic. Identifiers: Orphanet 79320, MedGen C2930997, MONDO:0011291, OMIM 603147.

Submission:

Myriad Genetics, Inc.
Classification: Pathogenic for ALG6-congenital disorder of glycosylation 1C. Last evaluated: 2025-12-11. Review status: criteria provided, single submitter. Criteria: Myriad Autosomal Dominant, Autosomal Recessive and X-Linked Classification Criteria (2023). Collection method: clinical testing. Allele origin: unknown.
Comment: NM_013339.3(ALG6):c.601C>T(Q201*) is expected to be pathogenic in the context of congenital disorder of glycosylation, ALG6-related. This variant is predicted to lead to an abnormal or absent protein product due to the creation of a premature termination codon in ALG6, a gene where loss-of-function variants are known to be pathogenic. Please note: this variant was assessed in the context of healthy population screening.